The following is an entry in ClinVar:

NM_000218.3(KCNQ1):c.780+7_780+15del

Gene: KCNQ1 (potassium voltage-gated channel subfamily Q member 1; plus strand). Cytogenetic location: 11p15.5.
Variant type: Deletion.
Coding change: c.780+7_780+15del on transcript NM_000218.3 (MANE Select); bases 7 to 15 of the intron after coding-DNA position 780, 9 bases deleted (GGCCCGGGT; older notation c.780+7_780+15delGGCCCGGGT).
Molecular consequence: intron variant.
Genome position (GRCh38, 1-based): chr11:2,572,116-2,572,124, GGCCCGGGT deleted; deleting any 9 consecutive bases within chr11:2,572,112-2,572,124 gives the same sequence; the c. name uses the placement nearest the transcript's 3' end. VCF-style (leftmost placement, unchanged base first): chr11-2572111-TGGGTGGCCC-T. GRCh37 (hg19) VCF-style: chr11-2593341-TGGGTGGCCC-T.
Other names: c.510+7_510+15del (NM_001406837.1); c.780+7_780+15del (NM_001406836.1); c.478-11319_478-11311del (NM_001406838.1); c.399+7_399+15del (NM_181798.2).
Identifiers: ClinVar variation 2773469 (VCV002773469.2), dbSNP rs2493671931, ClinGen allele CA2697558899.

ClinVar aggregate classification (germline): Uncertain significance (1 of 4 stars; one submission).

Conditions:
Cardiac arrhythmia. Also called: Arrhythmia; Cardiac rhythm disease. Identifiers: MedGen C0003811, MONDO:0007263, HP:0011675.

Submission:

Color Diagnostics, LLC DBA Color Health
Classification: Uncertain significance for Cardiac arrhythmia. Last evaluated: 2022-12-13. Review status: criteria provided, single submitter. Criteria: ACMG Guidelines, 2015. Collection method: clinical testing. Allele origin: germline.
Comment: This variant causes an insertion of nine nucleotides in intron 5 of the KCNQ1 gene. To our knowledge, functional studies have not been reported for this variant. This variant has not been reported in individuals affected with KCNQ1-related disorders in the literature. This variant has not been identified in the general population by the Genome Aggregation Database (gnomAD). The available evidence is insufficient to determine the role of this variant in disease conclusively. Therefore, this variant is classified as a Variant of Uncertain Significance.